The following is an entry in ClinVar:

NM_000143.4(FH):c.1172A>G (p.His391Arg)

Gene: FH (fumarate hydratase; minus strand). Cytogenetic location: 1q43.
Variant type: single nucleotide variant.
Coding change: c.1172A>G on transcript NM_000143.4 (MANE Select); coding-DNA position 1172, A replaced by G.
Protein change: p.His391Arg; replaces histidine 391 with arginine.
Molecular consequence: missense variant.
Genome position (GRCh38, 1-based): chr1:241,502,507, T>C on the plus strand (A>G on the coding strand, the complement: FH is on the minus strand). VCF-style: chr1-241502507-T-C. GRCh37 (hg19) VCF-style: chr1-241665807-T-C.
Other names: short protein forms H391R.
Identifiers: ClinVar variation 1423820 (VCV001423820.8), dbSNP rs1659806824, ClinGen allele CA345437434.

ClinVar aggregate classification (germline): Likely pathogenic (1 of 4 stars; one submission).

Submission:

Labcorp Genetics (formerly Invitae), Labcorp
Classification: Likely pathogenic. Last evaluated: 2025-06-09. Review status: criteria provided, single submitter. Criteria: Invitae Variant Classification Sherloc (09022015). Collection method: clinical testing. Allele origin: germline.
Comment: This sequence change replaces histidine, which is basic and polar, with arginine, which is basic and polar, at codon 391 of the FH protein (p.His391Arg). This variant is not present in population databases (gnomAD no frequency). This missense change has been observed in individual(s) with clinical features of FH tumor predisposition syndrome (internal data). ClinVar contains an entry for this variant (Variation ID: 1423820). Invitae Evidence Modeling of protein sequence and biophysical properties (such as structural, functional, and spatial information, amino acid conservation, physicochemical variation, residue mobility, and thermodynamic stability) indicates that this missense variant is expected to disrupt FH protein function with a positive predictive value of 95%. This variant disrupts the p.His391 amino acid residue in FH. Other variant(s) that disrupt this residue have been observed in individuals with FH-related conditions (internal data), which suggests that this may be a clinically significant amino acid residue. In summary, the currently available evidence indicates that the variant is pathogenic, but additional data are needed to prove that conclusively. Therefore, this variant has been classified as Likely Pathogenic.